The following is an entry in ClinVar:

ClinVar aggregate classification (germline): Uncertain significance (1 of 4 stars; one submission).

Conditions:
NPHP4-related disorder. Also called: NPHP4-related condition; NPHP4-related disorders. Identifiers: MedGen CN239384.

gnomAD v4.1: 20 of 1,604,668 alleles (0.0012%); highest among the groups gnomAD compares: Non-Finnish European, 0.0015%; no homozygotes.

Submission:

PreventionGenetics, part of Exact Sciences
Classification: Uncertain significance for NPHP4-related condition. Last evaluated: 2026-01-14. Review status: criteria provided, single submitter. Criteria: ACMG Guidelines, 2015. Collection method: clinical testing. Allele origin: germline.
Comment: The NPHP4 c.2752C>G variant is predicted to result in the amino acid substitution p.Arg918Gly. To our knowledge, this variant has not been reported in the literature. This variant is reported in 0.00092% of alleles in individuals of European (Non-Finnish) descent in gnomAD. At this time, the clinical significance of this variant is uncertain due to the absence of conclusive functional and genetic evidence.

NM_015102.5(NPHP4):c.2752C>G (p.Arg918Gly)

Gene: NPHP4 (nephrocystin 4; minus strand). Cytogenetic location: 1p36.31.
Variant type: single nucleotide variant.
Coding change: c.2752C>G on transcript NM_015102.5 (MANE Select); coding-DNA position 2752, C replaced by G.
Protein change: p.Arg918Gly; replaces arginine 918 with glycine.
Molecular consequence: missense variant. On other transcripts: non-coding transcript variant (1).
Genome position (GRCh38, 1-based): chr1:5,877,158, G>C on the plus strand (C>G on the coding strand, the complement: NPHP4 is on the minus strand). VCF-style: chr1-5877158-G-C. GRCh37 (hg19) VCF-style: chr1-5937218-G-C.
Other names: c.1213C>G, p.Arg405Gly (NM_001291593.2); c.1216C>G, p.Arg406Gly (NM_001291594.2); short protein forms R405G, R918G, R406G.
Identifiers: ClinVar variation 4985400 (VCV004985400.1).
Genomic context (GRCh38, chr1:5,877,158, plus strand): 5'-CGCTCGTCCCGCGCCGGCCCAAGTCTCCCCCGGCCTCCTGCAGGCGCACAGACCTCATCC[G>C]CTCCAGCTTACGCCTGCGGGTGGCATCCGACTCGCGGCTGACGTCCTGGGGCCCCTTGCC-3'
Protein context (NP_055917.1, residues 908-928): SDATRRRKLE[Arg918Gly]MRSVRLQEAG